The following is an entry in ClinVar:

NM_020949.3(SLC7A14):c.820A>G (p.Thr274Ala)

Genes: SLC7A14 (solute carrier family 7 member 14; minus strand), SLC7A14-AS1 (SLC7A14 antisense RNA 1; plus strand). Cytogenetic location: 3q26.2.
Variant type: single nucleotide variant.
Coding change: c.820A>G on transcript NM_020949.3 (MANE Select); coding-DNA position 820, A replaced by G.
Protein change: p.Thr274Ala; replaces threonine 274 with alanine.
Molecular consequence: missense variant.
Genome position (GRCh38, 1-based): chr3:170,486,308, T>C on the plus strand (A>G on the coding strand, the complement: SLC7A14 is on the minus strand). VCF-style: chr3-170486308-T-C. GRCh37 (hg19) VCF-style: chr3-170204097-T-C.
Other names: short protein forms T274A.
Identifiers: ClinVar variation 2806810 (VCV002806810.3), dbSNP rs1351010060, ClinGen allele CA355494140.

ClinVar aggregate classification (germline): Uncertain significance (1 of 4 stars; one submission).

Submission:

Labcorp Genetics (formerly Invitae), Labcorp
Classification: Uncertain significance. Last evaluated: 2023-02-16. Review status: criteria provided, single submitter. Criteria: Invitae Variant Classification Sherloc (09022015). Collection method: clinical testing. Allele origin: germline.
Comment: In summary, the available evidence is currently insufficient to determine the role of this variant in disease. Therefore, it has been classified as a Variant of Uncertain Significance. An algorithm developed to predict the effect of missense changes on protein structure and function (PolyPhen-2) suggests that this variant is likely to be disruptive. This variant has not been reported in the literature in individuals affected with SLC7A14-related conditions. This variant is not present in population databases (gnomAD no frequency). This sequence change replaces threonine, which is neutral and polar, with alanine, which is neutral and non-polar, at codon 274 of the SLC7A14 protein (p.Thr274Ala).